The following is an entry in ClinVar:

ClinVar aggregate classification (germline): Likely benign (1 of 4 stars; one submission).

Allele frequency attached by ClinVar (database versions not stated): gnomAD 0.00001.
gnomAD v4.1: 2 of 1,591,494 alleles (0.00013%); highest among the groups gnomAD compares: East Asian, 0.0045%; no homozygotes.

Submission:

GeneDx
Classification: Likely benign. Last evaluated: 2018-04-16. Review status: criteria provided, single submitter. Criteria: GeneDx Variant Classification (06012015). Collection method: clinical testing. Allele origin: germline. Affected: yes.
Comment: This variant is considered likely benign or benign based on one or more of the following criteria: it is a conservative change, it occurs at a poorly conserved position in the protein, it is predicted to be benign by multiple in silico algorithms, and/or has population frequency not consistent with disease.

NM_005548.3(KARS1):c.1704T>C (p.Leu568=)

Gene: KARS1 (lysyl-tRNA synthetase 1; minus strand). Cytogenetic location: 16q23.1.
Variant type: single nucleotide variant.
Coding change: c.1704T>C on transcript NM_005548.3 (MANE Select); coding-DNA position 1704, T replaced by C.
Protein change: p.Leu568=; no amino-acid change (leucine 568 retained).
Molecular consequence: synonymous variant.
Genome position (GRCh38, 1-based): chr16:75,627,985, A>G on the plus strand (T>C on the coding strand, the complement: KARS1 is on the minus strand). VCF-style: chr16-75627985-A-G. GRCh37 (hg19) VCF-style: chr16-75661883-A-G.
Other names: c.1788T>C, p.Leu596= (NM_001130089.2); c.1236T>C, p.Leu412= (NM_001378148.1).
Identifiers: ClinVar variation 681500 (VCV000681500.1), dbSNP rs549959474, ClinGen allele CA396809342.
Genomic context (GRCh38, chr16:75,627,985, plus strand): 5'-CAGTGTATCAGTGGTTGCTACATTCTCCTTCTTGTCTTCGGGTTTCATGGCAGGAAACAG[A>G]AGTACTTCCTGTGGGAGATAAGAATGTACCTTGAAGCTGAGAAGCACTCTCAACATTTTT-3'
Protein context (NP_005539.1, residues 558-578): LTDSNNIKEV[Leu568=]LFPAMKPEDK